The following is an entry in ClinVar:

NM_001079802.2(FKTN):c.1349C>T (p.Pro450Leu)

Gene: FKTN (fukutin; plus strand). Cytogenetic location: 9q31.2.
Variant type: single nucleotide variant.
Coding change: c.1349C>T on transcript NM_001079802.2 (MANE Select); coding-DNA position 1349, C replaced by T.
Protein change: p.Pro450Leu; replaces proline 450 with leucine.
Molecular consequence: missense variant. On other transcripts: 3 prime UTR variant (1), non-coding transcript variant (2), intron variant (1).
Genome position (GRCh38, 1-based): chr9:105,635,227, C>T. VCF-style: chr9-105635227-C-T. GRCh37 (hg19) VCF-style: chr9-108397508-C-T.
Other names: c.1349C>T, p.Pro450Leu (NM_001351496.2, NM_006731.2); c.1280C>T, p.Pro427Leu (NM_001351497.2); c.*141C>T (NM_001351498.2); c.953C>T, p.Pro318Leu (NM_001351499.2, NM_001351500.2, NM_001351501.2 and 1 more transcripts); c.1270+79C>T (NM_001198963.2); short protein forms P427L, P450L, P318L.
Identifiers: ClinVar variation 2166639 (VCV002166639.1), dbSNP rs374010294, ClinGen allele CA5170615.
Genomic context (GRCh38, chr9:105,635,227, plus strand): 5'-CTGTAAAGACGTGGGACTGGAAGCGCTCTCCTCCCAATGTGCAACCCAATGGAATCTGGC[C>T]TATTTCTGAGTGGGATGAGGTTATCCAGTTATATTGAGATAGTAGGTTGAAATGGGAGAA-3'
Protein context (NP_001073270.1, residues 440-460): PPNVQPNGIW[Pro450Leu]ISEWDEVIQL

ClinVar aggregate classification (germline): Uncertain significance (1 of 4 stars; one submission).

Conditions:
Walker-Warburg congenital muscular dystrophy. Also called: Muscular dystrophy-dystroglycanopathy, type A; Walker-Warburg syndrome. Identifiers: Orphanet 899, MedGen C0265221, MONDO:0000171.

Allele frequency attached by ClinVar (database versions not stated): TOPMed below 0.00001; ExAC 0.00001; ESP Exome Variant Server 0.00008.
gnomAD v4.1: 2 of 1,613,944 alleles (0.00012%); highest among the groups gnomAD compares: Non-Finnish European, 0.00017%; no homozygotes.

Submission:

Labcorp Genetics (formerly Invitae), Labcorp
Classification: Uncertain significance for Walker-Warburg congenital muscular dystrophy. Last evaluated: 2022-03-26. Review status: criteria provided, single submitter. Criteria: Invitae Variant Classification Sherloc (09022015). Collection method: clinical testing. Allele origin: germline.
Comment: This sequence change replaces proline, which is neutral and non-polar, with leucine, which is neutral and non-polar, at codon 450 of the FKTN protein (p.Pro450Leu). This variant is present in population databases (rs374010294, gnomAD 0.002%). This variant has not been reported in the literature in individuals affected with FKTN-related conditions. Algorithms developed to predict the effect of missense changes on protein structure and function are either unavailable or do not agree on the potential impact of this missense change (SIFT: "Deleterious"; PolyPhen-2: "Benign"; Align-GVGD: "Class C0"). In summary, the available evidence is currently insufficient to determine the role of this variant in disease. Therefore, it has been classified as a Variant of Uncertain Significance.